The following is an entry in ClinVar:

NM_017654.4(SAMD9):c.1879T>C (p.Ser627Pro)

Gene: SAMD9 (sterile alpha motif domain containing 9; minus strand). Cytogenetic location: 7q21.2.
Variant type: single nucleotide variant.
Coding change: c.1879T>C on transcript NM_017654.4 (MANE Select); coding-DNA position 1879, T replaced by C.
Protein change: p.Ser627Pro; replaces serine 627 with proline.
Molecular consequence: missense variant.
Genome position (GRCh38, 1-based): chr7:93,104,219, A>G on the plus strand (T>C on the coding strand, the complement: SAMD9 is on the minus strand). VCF-style: chr7-93104219-A-G. GRCh37 (hg19) VCF-style: chr7-92733532-A-G.
Other names: c.1879T>C (NM_017654.3); c.1879T>C, p.Ser627Pro (NM_001193307.2); short protein forms S627P.
Identifiers: ClinVar variation 3683704 (VCV003683704.3).

ClinVar aggregate classification (germline): Uncertain significance. Review status: criteria provided, multiple submitters, no conflicts (2 of 4 stars). 2 submissions from 2 submitters: Uncertain significance (2). Last evaluated 2025-10-21.

Conditions:
Inborn genetic diseases. Identifiers: MedGen C0950123, MeSH D030342.

gnomAD v4.1: 3 of 1,613,834 alleles (0.00019%); highest among the groups gnomAD compares: South Asian, 0.0011%; no homozygotes.

Submissions (2):

Ambry Genetics
Classification: Uncertain significance for Inborn genetic diseases. Last evaluated: 2025-10-21. Review status: criteria provided, single submitter. Criteria: Ambry Variant Classification Scheme 2023. Collection method: clinical testing. Allele origin: germline.
Comment: The p.S627P variant (also known as c.1879T>C), located in coding exon 1 of the SAMD9 gene, results from a T to C substitution at nucleotide position 1879. The serine at codon 627 is replaced by proline, an amino acid with similar properties. This amino acid position is conserved. In addition, this alteration is predicted to be tolerated by in silico analysis. Based on the available evidence, the clinical significance of this variant remains unclear.

Labcorp Genetics (formerly Invitae), Labcorp
Classification: Uncertain significance. Last evaluated: 2024-06-19. Review status: criteria provided, single submitter. Criteria: Invitae Variant Classification Sherloc (09022015). Collection method: clinical testing. Allele origin: germline.
Comment: This sequence change replaces serine, which is neutral and polar, with proline, which is neutral and non-polar, at codon 627 of the SAMD9 protein (p.Ser627Pro). This variant is present in population databases (no rsID available, gnomAD no frequency). This variant has not been reported in the literature in individuals affected with SAMD9-related conditions. Advanced modeling of protein sequence and biophysical properties (such as structural, functional, and spatial information, amino acid conservation, physicochemical variation, residue mobility, and thermodynamic stability) performed at Invitae indicates that this missense variant is not expected to disrupt SAMD9 protein function with a negative predictive value of 95%. In summary, the available evidence is currently insufficient to determine the role of this variant in disease. Therefore, it has been classified as a Variant of Uncertain Significance.